The following is an entry in ClinVar:

ClinVar aggregate classification (germline): Uncertain significance (1 of 4 stars; one submission).

Conditions:
Inborn genetic diseases. Identifiers: MedGen C0950123, MeSH D030342.

Submission:

Ambry Genetics
Classification: Uncertain significance for Inborn genetic diseases. Last evaluated: 2022-05-05. Review status: criteria provided, single submitter. Criteria: Ambry Variant Classification Scheme 2023. Collection method: clinical testing. Allele origin: germline.
Comment: The p.H646P variant (also known as c.1937A>C), located in coding exon 12 of the EPAS1 gene, results from an A to C substitution at nucleotide position 1937. The histidine at codon 646 is replaced by proline, an amino acid with similar properties. This amino acid position is conserved. In addition, this alteration is predicted to be tolerated by in silico analysis. Since supporting evidence is limited at this time, the clinical significance of this alteration remains unclear.

NM_001430.5(EPAS1):c.1937A>C (p.His646Pro)

Gene: EPAS1 (endothelial PAS domain protein 1; plus strand). Cytogenetic location: 2p21.
Variant type: single nucleotide variant.
Coding change: c.1937A>C on transcript NM_001430.5 (MANE Select); coding-DNA position 1937, A replaced by C.
Protein change: p.His646Pro; replaces histidine 646 with proline.
Molecular consequence: missense variant.
Genome position (GRCh38, 1-based): chr2:46,380,609, A>C. VCF-style: chr2-46380609-A-C. GRCh37 (hg19) VCF-style: chr2-46607748-A-C.
Other names: short protein forms H646P.
Identifiers: ClinVar variation 1782976 (VCV001782976.2), dbSNP rs1684865848, ClinGen allele CA346705191.